The following is an entry in ClinVar:

NM_001077365.2(POMT1):c.1856C>T (p.Ala619Val)

Gene: POMT1 (protein O-mannosyltransferase 1; plus strand). Cytogenetic location: 9q34.13.
Variant type: single nucleotide variant.
Coding change: c.1856C>T on transcript NM_001077365.2 (MANE Select); coding-DNA position 1856, C replaced by T.
Protein change: p.Ala619Val; replaces alanine 619 with valine.
Molecular consequence: missense variant. On other transcripts: non-coding transcript variant (10).
Genome position (GRCh38, 1-based): chr9:131,522,077, C>T. VCF-style: chr9-131522077-C-T. GRCh37 (hg19) VCF-style: chr9-134397464-C-T.
Other names: p.Ala641Val; c.1694C>T, p.Ala565Val (NM_001077366.2, NM_001353194.2); c.1856C>T, p.Ala619Val (NM_001136113.2); c.1505C>T, p.Ala502Val (NM_001136114.2, NM_001353195.2, NM_001374691.1 and 2 more transcripts); c.1922C>T, p.Ala641Val (NM_001353193.2, NM_007171.4); c.1766C>T, p.Ala589Val (NM_001353196.2); c.1760C>T, p.Ala587Val (NM_001353197.2, NM_001353198.2); c.1571C>T, p.Ala524Val (NM_001353199.2); and 4 more; short protein forms A641V, A502V, A524V, A565V, A587V, A589V, A467V, A619V.
Identifiers: ClinVar variation 130011 (VCV000130011.23), dbSNP rs12115566, ClinGen allele CA154753.
Genomic context (GRCh38, chr9:131,522,077, plus strand): 5'-AGTCGGTGTAGCTCGAGCCCTTTCCTATAGATGCCTGGCTGCGCTGGGTGCTGGCTGGGG[C>T]GCTGTGTGCCGGTGGCTGGGCAGTGAACTACCTCCCGTTCTTCCTGATGGAGAAGACACT-3'
Protein context (NP_001070833.1, residues 609-629): DAWLRWVLAG[Ala619Val]LCAGGWAVNY

ClinVar aggregate classification (germline): Benign/Likely benign. Review status: criteria provided, multiple submitters, no conflicts (2 of 4 stars). 8 submissions from 8 submitters: Benign (6); Likely benign (2). Last evaluated 2026-02-02.

Conditions:
Muscular dystrophy-dystroglycanopathy (congenital with impaired intellectual development), type B, 1. Also called: MUSCULAR DYSTROPHY, CONGENITAL, POMT1-RELATED; Muscular dystrophy-dystroglycanopathy (congenital with intellectual disability), type B1. Identifiers: MedGen C5436962, MONDO:0013159, OMIM 613155.
Autosomal recessive limb-girdle muscular dystrophy type 2K. Also called: MUSCULAR DYSTROPHY, LIMB-GIRDLE, TYPE 2K; MUSCULAR DYSTROPHY-DYSTROGLYCANOPATHY (LIMB-GIRDLE), TYPE C, 1. Identifiers: Orphanet 86812, MedGen C1836373, MONDO:0012248, OMIM 609308.
Walker-Warburg congenital muscular dystrophy. Also called: Muscular dystrophy-dystroglycanopathy, type A; Walker-Warburg syndrome. Identifiers: Orphanet 899, MedGen C0265221, MONDO:0000171.

Allele frequency attached by ClinVar (database versions not stated): gnomAD exomes 0.00665; ExAC 0.00758; gnomAD 0.01554 and 0.01621; ESP Exome Variant Server 0.01569; TOPMed 0.01684; 1000 Genomes Project 0.02097; 1000 Genomes Project 30x 0.02217.
gnomAD v4.1: 7,923 of 1,614,056 alleles (0.49%); highest among the groups gnomAD compares: African/African-American, 4.8%; 107 homozygotes.

Submissions (8):

Labcorp Genetics (formerly Invitae), Labcorp
Classification: Benign for Muscular dystrophy-dystroglycanopathy (congenital with impaired intellectual development), type B, 1; Walker-Warburg congenital muscular dystrophy; Autosomal recessive limb-girdle muscular dystrophy type 2K. Last evaluated: 2026-02-02. Review status: criteria provided, single submitter. Criteria: Invitae Variant Classification Sherloc (09022015). Collection method: clinical testing. Allele origin: germline.

Mayo Clinic Laboratories, Mayo Clinic
Classification: Benign. Last evaluated: 2017-12-20. Review status: criteria provided, single submitter. Criteria: ACMG Guidelines, 2015. Collection method: clinical testing. Allele origin: germline. Observed: 12 variant alleles.

Athena Diagnostics
Classification: Benign. Last evaluated: 2017-11-01. Review status: criteria provided, single submitter. Criteria: Athena Diagnostics Criteria. Collection method: clinical testing. Allele origin: germline.

Illumina Laboratory Services, Illumina
Classification: Likely benign for Autosomal recessive limb-girdle muscular dystrophy type 2K. Last evaluated: 2017-04-27. Review status: criteria provided, single submitter. Criteria: ICSL Variant Classification Criteria 13 December 2019. Collection method: clinical testing. Allele origin: germline.
Comment: This variant was observed as part of a predisposition screen in an ostensibly healthy population. A literature search was performed for the gene, cDNA change, and amino acid change (where applicable). Publications were found based on this search. The evidence from the literature, in combination with allele frequency data from public databases where available, was sufficient to determine this variant is unlikely to cause disease. Therefore, this variant is classified as likely benign.

GeneDx
Classification: Benign. Last evaluated: 2015-03-03. Review status: criteria provided, single submitter. Criteria: GeneDx Variant Classification Process June 2021. Collection method: clinical testing. Allele origin: germline. Affected: yes.

Genetic Services Laboratory, University of Chicago
Classification: Benign for AllHighlyPenetrant. Last evaluated: 2013-08-15. Review status: criteria provided, single submitter. Criteria: ACMG Guidelines, 2007. Collection method: clinical testing. Allele origin: germline. Inheritance: Autosomal recessive inheritance.

Breakthrough Genomics
Classification: Likely benign. Review status: criteria provided, single submitter. Criteria: ACMG Guidelines, 2015. Collection method: not provided. Allele origin: germline. Inheritance: Autosomal recessive inheritance. Affected: yes.

PreventionGenetics, part of Exact Sciences
Classification: Benign. Review status: criteria provided, single submitter. Criteria: ACMG Guidelines, 2015. Collection method: clinical testing. Allele origin: germline.

Literature cited by the submitters: PubMed 16575835 (cited by Athena Diagnostics and Illumina Laboratory Services, Illumina); PubMed 17878207 (cited by Athena Diagnostics); PubMed 18647264 (cited by Athena Diagnostics and Illumina Laboratory Services, Illumina).